The following is an entry in ClinVar:

ClinVar aggregate classification (germline): Uncertain significance (1 of 4 stars; one submission).

Allele frequency attached by ClinVar (database versions not stated): 1000 Genomes Project 30x 0.00031; gnomAD 0.00002; gnomAD exomes 0.00006; ExAC 0.00014.
gnomAD v4.1: 78 of 1,551,704 alleles (0.005%); highest among the groups gnomAD compares: Middle Eastern, 0.033%; no homozygotes.

Submission:

Labcorp Genetics (formerly Invitae), Labcorp
Classification: Uncertain significance. Last evaluated: 2025-11-04. Review status: criteria provided, single submitter. Criteria: Invitae Variant Classification Sherloc (09022015). Collection method: clinical testing. Allele origin: germline.
Comment: This sequence change replaces leucine, which is neutral and non-polar, with valine, which is neutral and non-polar, at codon 1180 of the ZSWIM6 protein (p.Leu1180Val). This variant is present in population databases (rs775086998, gnomAD 0.02%). This variant has not been reported in the literature in individuals affected with ZSWIM6-related conditions. ClinVar contains an entry for this variant (Variation ID: 2723584). Invitae Evidence Modeling of protein sequence and biophysical properties (such as structural, functional, and spatial information, amino acid conservation, physicochemical variation, residue mobility, and thermodynamic stability) indicates that this missense variant is not expected to disrupt ZSWIM6 protein function with a negative predictive value of 80%. In summary, the available evidence is currently insufficient to determine the role of this variant in disease. Therefore, it has been classified as a Variant of Uncertain Significance.

NM_020928.2(ZSWIM6):c.3538T>G (p.Leu1180Val)

Gene: ZSWIM6 (zinc finger SWIM-type containing 6; plus strand). Cytogenetic location: 5q12.1.
Variant type: single nucleotide variant.
Coding change: c.3538T>G on transcript NM_020928.2 (MANE Select); coding-DNA position 3538, T replaced by G.
Protein change: p.Leu1180Val; replaces leucine 1180 with valine.
Molecular consequence: missense variant.
Genome position (GRCh38, 1-based): chr5:61,544,207, T>G. VCF-style: chr5-61544207-T-G. GRCh37 (hg19) VCF-style: chr5-60840034-T-G.
Other names: short protein forms L1180V.
Identifiers: ClinVar variation 2723584 (VCV002723584.3), dbSNP rs775086998, ClinGen allele CA3278531.
Genomic context (GRCh38, chr5:61,544,207, plus strand): 5'-ATCAGTCCTCGGCACTATAGTGAGTTTATAGAGTTCCTCAGCAAAGCCCGAGAGACCTTC[T>G]TAATGGCGCATGATGGACACATTCAGTTTACACAGTTTATTGACAACCTGAAACAAATCT-3'
Protein context (NP_065979.1, residues 1170-1190): EFLSKARETF[Leu1180Val]MAHDGHIQFT